The following is an entry in ClinVar:

ClinVar aggregate classification (germline): Conflicting classifications of pathogenicity. Review status: criteria provided, conflicting classifications (1 of 4 stars). 3 submissions from 3 submitters: Uncertain significance (1); Likely benign (2). Last evaluated 2026-01-11.

Conditions:
Ichthyosis linearis circumflexa. Identifiers: MedGen C0265962, MONDO:0043106, HP:0025810.

Allele frequency attached by ClinVar (database versions not stated): gnomAD exomes 0.00003; ExAC 0.00005; gnomAD 0.00005 and 0.00006; TOPMed 0.00007.
gnomAD v4.1: 64 of 1,610,790 alleles (0.004%); highest among the groups gnomAD compares: Middle Eastern, 0.066%; no homozygotes.

Submissions (3):

Labcorp Genetics (formerly Invitae), Labcorp
Classification: Likely benign for Ichthyosis linearis circumflexa. Last evaluated: 2026-01-11. Review status: criteria provided, single submitter. Criteria: Invitae Variant Classification Sherloc (09022015). Collection method: clinical testing. Allele origin: germline.

Blueprint Genetics
Classification: Likely benign. Last evaluated: 2024-11-19. Review status: criteria provided, single submitter. Criteria: ACMG Guidelines, 2015. Collection method: clinical testing. Allele origin: germline.

CeGaT Center for Human Genetics Tuebingen
Classification: Uncertain significance. Last evaluated: 2024-10-01. Review status: criteria provided, single submitter. Criteria: CeGaT Center For Human Genetics Tuebingen Variant Classification Criteria Version 2. Collection method: clinical testing. Allele origin: germline. Affected: yes. Observed: 1 variant allele.
Comment: SPINK5: PM2, PM3:Supporting, BP4

NM_006846.4(SPINK5):c.1093-4G>A

Gene: SPINK5 (serine peptidase inhibitor Kazal type 5; plus strand). Cytogenetic location: 5q32.
Variant type: single nucleotide variant.
Coding change: c.1093-4G>A on transcript NM_006846.4 (MANE Select); 4 bases into the intron before coding-DNA position 1093, G replaced by A.
Molecular consequence: intron variant.
Genome position (GRCh38, 1-based): chr5:148,100,450, G>A. VCF-style: chr5-148100450-G-A. GRCh37 (hg19) VCF-style: chr5-147480013-G-A.
Other names: c.1093-4G>A (NM_001127698.2, NM_001127699.2).
Identifiers: ClinVar variation 744895 (VCV000744895.24), dbSNP rs754019195, ClinGen allele CA3495480.